The following is an entry in ClinVar:

NC_000008.10:g.(?_90947810)_(90949323_?)del

Gene: NBN (nibrin; minus strand). Cytogenetic location: 8q21.3.
Variant type: Deletion.
Identifiers: ClinVar variation 3245497 (VCV003245497.1).

ClinVar aggregate classification (germline): Likely pathogenic (1 of 4 stars; one submission).

Conditions:
Microcephaly, normal intelligence and immunodeficiency (NBS). Also called: BERLIN BREAKAGE SYNDROME; Immunodeficiency, microcephaly with normal intelligence; IMMUNODEFICIENCY, MICROCEPHALY, AND CHROMOSOMAL INSTABILITY; SEEMANOVA SYNDROME II; Nijmegen breakage syndrome; Microcephaly with normal intelligence immunodeficiency and lymphoreticular malignancies. Identifiers: Orphanet 647, MedGen C0398791, MONDO:0009623, OMIM 251260.

Submission:

Labcorp Genetics (formerly Invitae), Labcorp
Classification: Likely pathogenic for Microcephaly, normal intelligence and immunodeficiency. Last evaluated: 2024-01-31. Review status: criteria provided, single submitter. Criteria: Invitae Variant Classification Sherloc (09022015). Collection method: clinical testing. Allele origin: unknown.
Comment: This variant is a gross deletion of the genomic region encompassing exon(s) 15-16 of the NBN gene, which includes the termination codon. This deletion extends beyond the assayed region for this gene and therefore may encompass additional genes. While this deletion is not anticipated to lead to nonsense mediated decay, it is expected to alter mRNA translation or result in a truncated protein product. A similar copy number variant has been observed in individual(s) with breast, ovarian, prostate, bladder, pancreatic and/or colon cancer (PMID: 22864661, 26681312; Invitae). This variant disrupts the ATM interaction domain of the NBN protein (PMID: 24894818, 21035407), which is important for activating ATM in the double-strand break repair pathway (PMID: 15964794, 15048089). While functional studies have not been performed to directly test the effect of this variant on NBN protein function, this suggests that disruption of this region of the protein is causative of disease. In summary, the currently available evidence indicates that the variant is pathogenic, but additional data are needed to prove that conclusively. Therefore, this variant has been classified as Likely Pathogenic.

Literature cited by the submitters: PubMed 22864661; PubMed 26681312; PubMed 24894818; PubMed 21035407; PubMed 15964794; PubMed 15048089.